The following is an entry in ClinVar:

ClinVar aggregate classification (germline): Uncertain significance (1 of 4 stars; one submission).

Conditions:
Familial hypocalciuric hypercalcemia (FHH). Also called: Familial benign hypercalcemia. Identifiers: Orphanet 405, MedGen C1809471, MONDO:0018458.
Autosomal dominant hypocalcemia 1 (HYPOC1). Also called: HYPOCALCEMIA, FAMILIAL. Identifiers: MedGen C3715128, MONDO:0011013, OMIM 601198.

Submission:

Labcorp Genetics (formerly Invitae), Labcorp
Classification: Uncertain significance for Familial hypocalciuric hypercalcemia; Autosomal dominant hypocalcemia 1. Last evaluated: 2022-10-31. Review status: criteria provided, single submitter. Criteria: Invitae Variant Classification Sherloc (09022015). Collection method: clinical testing. Allele origin: germline.
Comment: In summary, the available evidence is currently insufficient to determine the role of this variant in disease. Therefore, it has been classified as a Variant of Uncertain Significance. Algorithms developed to predict the effect of missense changes on protein structure and function are either unavailable or do not agree on the potential impact of this missense change (SIFT: "Deleterious"; PolyPhen-2: "Benign"; Align-GVGD: "Class C0"). This variant has not been reported in the literature in individuals affected with CASR-related conditions. This variant is not present in population databases (gnomAD no frequency). This sequence change replaces histidine, which is basic and polar, with glutamine, which is neutral and polar, at codon 192 of the CASR protein (p.His192Gln).

NM_000388.4(CASR):c.576C>G (p.His192Gln)

Gene: CASR (calcium sensing receptor; plus strand). Cytogenetic location: 3q21.1.
Variant type: single nucleotide variant.
Coding change: c.576C>G on transcript NM_000388.4 (MANE Select); coding-DNA position 576, C replaced by G.
Protein change: p.His192Gln; replaces histidine 192 with glutamine.
Molecular consequence: missense variant.
Genome position (GRCh38, 1-based): chr3:122,261,611, C>G. VCF-style: chr3-122261611-C-G. GRCh37 (hg19) VCF-style: chr3-121980458-C-G.
Other names: c.576C>G, p.His192Gln (NM_001178065.2); short protein forms H192Q.
Identifiers: ClinVar variation 2941143 (VCV002941143.3), dbSNP rs2473225432, ClinGen allele CA354150883.